The following is an entry in ClinVar:

NM_002233.4(KCNA4):c.1503G>A (p.Ala501=)

Gene: KCNA4 (potassium voltage-gated channel subfamily A member 4; minus strand). Cytogenetic location: 11p14.1.
Variant type: single nucleotide variant.
Coding change: c.1503G>A on transcript NM_002233.4 (MANE Select); coding-DNA position 1503, G replaced by A.
Protein change: p.Ala501=; no amino-acid change (alanine 501 retained).
Molecular consequence: synonymous variant.
Genome position (GRCh38, 1-based): chr11:30,011,176, C>T on the plus strand (G>A on the coding strand, the complement: KCNA4 is on the minus strand). VCF-style: chr11-30011176-C-T. GRCh37 (hg19) VCF-style: chr11-30032723-C-T.
Identifiers: ClinVar variation 1675455 (VCV001675455.33), dbSNP rs374154145, ClinGen allele CA5930479.
Genomic context (GRCh38, chr11:30,011,176, plus strand): 5'-GGTCACCACAGCCCACCAAAATGCATCTGGGATGCTTTGGAAATGGGTAGTAGGTTCATC[C>T]GCCTCTGCAAAATACACAGCACTAGAAAAGAGGATGACCCCAATGAAGAGGAAGAAGATC-3'
Protein context (NP_002224.1, residues 491-511): LFSSAVYFAE[Ala501=]DEPTTHFQSI

ClinVar aggregate classification (germline): Likely benign (1 of 4 stars; one submission).

Allele frequency attached by ClinVar (database versions not stated): gnomAD 0.00011 and 0.00015; TOPMed 0.00011; ESP Exome Variant Server 0.00015; 1000 Genomes Project 30x 0.00016; 1000 Genomes Project 0.00020; ExAC 0.00027.
gnomAD v4.1: 246 of 1,614,100 alleles (0.015%); highest among the groups gnomAD compares: Middle Eastern, 0.12%; 1 homozygote.

Submission:

CeGaT Center for Human Genetics Tuebingen
Classification: Likely benign. Last evaluated: 2022-09-01. Review status: criteria provided, single submitter. Criteria: CeGaT Center For Human Genetics Tuebingen Variant Classification Criteria Version 2. Collection method: clinical testing. Allele origin: germline. Affected: yes. Observed: 3 variant alleles.
Comment: KCNA4: BP4, BP7